The following is an entry in ClinVar:

NM_001134407.3(GRIN2A):c.1778-2A>C

Gene: GRIN2A (glutamate ionotropic receptor NMDA type subunit 2A; minus strand). Cytogenetic location: 16p13.2.
Variant type: single nucleotide variant.
Coding change: c.1778-2A>C on transcript NM_001134407.3 (MANE Select); the canonical splice acceptor site of the intron before coding-DNA position 1778, A replaced by C.
Molecular consequence: splice acceptor variant.
Genome position (GRCh38, 1-based): chr16:9,829,654, T>G on the plus strand (A>C on the coding strand, the complement: GRIN2A is on the minus strand). VCF-style: chr16-9829654-T-G. GRCh37 (hg19) VCF-style: chr16-9923511-T-G.
Other names: c.1778-2A>C (NM_001134408.2, NM_000833.5).
Identifiers: ClinVar variation 1098626 (VCV001098626.1), dbSNP rs2141313144, ClinGen allele CA394799861.
Genomic context (GRCh38, chr16:9,829,654, plus strand): 5'-CACCAGGCCCCAAAGAAGCCATATAGCTTTTCCAATTGTAAAAGAAGGCCCATGGGGTGC[T>G]GCAGAAGATGAAAAGGACATTCTCAGCATTTTCTGAAAAAAATGCCTGTTTGTGTATGAC-3'

ClinVar aggregate classification (germline): Likely pathogenic (1 of 4 stars; one submission).

Conditions:
Landau-Kleffner syndrome (FESD). Also called: EPILEPSY, FOCAL, WITH SPEECH DISORDER AND WITH OR WITHOUT MENTAL RETARDATION; APHASIA, ACQUIRED, WITH EPILEPSY. Identifiers: Orphanet 1945, Orphanet 725, Orphanet 98818, MedGen C0282512, MONDO:0009509, OMIM 245570.

Submission:

New York Genome Center
Classification: Likely pathogenic for Landau-Kleffner syndrome. Last evaluated: 2020-05-06. Review status: criteria provided, single submitter. Criteria: NYGC Assertion Criteria 2020. Collection method: clinical testing. Allele origin: inherited. Observed: 1 heterozygote. Study: CSER-NYCKidSeq.
Comment: The inherited c.1778-2A>C variant identified in the GRIN2A gene is a canonical splice variant within intron 8/12 (NM_001134407.3), and is a canonical splice acceptor at exon 9/13. The thymine nucleotide at this position is fully conserved. This variant is absent from gnomAD(v3.0) suggesting it is not a common benign variant in the populations represented in that database. Human Splicing Finger predicts this variant leads to the alteration of the wildtype splice acceptor site and most probably affects splicing, and the Transcript inferred Pathogenicity (TraP; v3.0) score for this variant is 0.582, which is >99% score-percentile for non-coding variants, suggesting it is probably damaging. This variant is absent from ClinVar and to our current knowledge has not been reported in the literature, however other canonical splice variants have been reported as Likely Pathogenic/Pathogenic in ClinVar, as well as in affected individuals in the literature [PMID:28109652; PMID:27683935]. The canonical splice variant identified in this individual is proximal to amino acid residue p.Ala593, which is just upstream of the pore-forming domain of GRIN2A (UniProtKB:Q12879), and many individuals have been reported in the literature with variants within and around this region [PMID:23933820]. Given its deleterious nature, predicted effect on splicing, and absence in population databases, the inherited c.1778-2A>C variant identified in the GRIN2A gene is reported here as Likely Pathogenic.